The following is an entry in ClinVar:

ClinVar aggregate classification (germline): Uncertain significance (1 of 4 stars; one submission).

Conditions:
Developmental and epileptic encephalopathy, 23 (DEE23). Also called: Epileptic encephalopathy, early infantile, 23. Identifiers: Orphanet 411986, MedGen C4014492, MONDO:0014371, OMIM 615859.

Allele frequency attached by ClinVar (database versions not stated): gnomAD exomes below 0.00001; ExAC 0.00001.
gnomAD v4.1: 1 of 1,600,218 alleles (0.000062%); highest among the groups gnomAD compares: Non-Finnish European, 0.000085%; no homozygotes.

Submission:

Labcorp Genetics (formerly Invitae), Labcorp
Classification: Uncertain significance for Developmental and epileptic encephalopathy, 23. Last evaluated: 2022-08-23. Review status: criteria provided, single submitter. Criteria: Invitae Variant Classification Sherloc (09022015). Collection method: clinical testing. Allele origin: germline.
Comment: This sequence change replaces proline, which is neutral and non-polar, with leucine, which is neutral and non-polar, at codon 867 of the DOCK7 protein (p.Pro867Leu). In summary, the available evidence is currently insufficient to determine the role of this variant in disease. Therefore, it has been classified as a Variant of Uncertain Significance. Algorithms developed to predict the effect of missense changes on protein structure and function are either unavailable or do not agree on the potential impact of this missense change (SIFT: "Deleterious"; PolyPhen-2: "Benign"; Align-GVGD: "Class C0"). ClinVar contains an entry for this variant (Variation ID: 1357135). This variant has not been reported in the literature in individuals affected with DOCK7-related conditions. This variant is present in population databases (rs768058208, gnomAD 0.0009%).

NM_001367561.1(DOCK7):c.2600C>T (p.Pro867Leu)

Gene: DOCK7 (dedicator of cytokinesis 7; minus strand). Cytogenetic location: 1p31.3.
Variant type: single nucleotide variant.
Coding change: c.2600C>T on transcript NM_001367561.1 (MANE Select); coding-DNA position 2600, C replaced by T.
Protein change: p.Pro867Leu; replaces proline 867 with leucine.
Molecular consequence: missense variant.
Genome position (GRCh38, 1-based): chr1:62,552,898, G>A on the plus strand (C>T on the coding strand, the complement: DOCK7 is on the minus strand). VCF-style: chr1-62552898-G-A. GRCh37 (hg19) VCF-style: chr1-63018569-G-A.
Other names: c.2600C>T, p.Pro867Leu (NM_001271999.2, NM_001272000.2, NM_001272001.2 and 2 more transcripts); short protein forms P867L.
Identifiers: ClinVar variation 1357135 (VCV001357135.6), dbSNP rs768058208, ClinGen allele CA886219.